The following is an entry in ClinVar:

ClinVar aggregate classification (germline): Uncertain significance (1 of 4 stars; one submission).

Submission:

GeneDx
Classification: Uncertain significance. Last evaluated: 2019-08-06. Review status: criteria provided, single submitter. Criteria: GeneDx Variant Classification Process June 2021. Collection method: clinical testing. Allele origin: germline. Affected: yes.
Comment: Not observed in large population cohorts (Lek et al., 2016); In silico analysis, which includes protein predictors and evolutionary conservation, supports that this variant does not alter protein structure/function; Has not been previously published as pathogenic or benign to our knowledge

NM_030665.4(RAI1):c.3269C>T (p.Ala1090Val)

Gene: RAI1 (retinoic acid induced 1; plus strand). Cytogenetic location: 17p11.2.
Variant type: single nucleotide variant.
Coding change: c.3269C>T on transcript NM_030665.4 (MANE Select); coding-DNA position 3269, C replaced by T.
Protein change: p.Ala1090Val; replaces alanine 1090 with valine.
Molecular consequence: missense variant.
Genome position (GRCh38, 1-based): chr17:17,796,217, C>T. VCF-style: chr17-17796217-C-T. GRCh37 (hg19) VCF-style: chr17-17699531-C-T.
Other names: short protein forms A1090V.
Identifiers: ClinVar variation 1307385 (VCV001307385.2), dbSNP rs2143002599, ClinGen allele CA398553237.